The following is an entry in ClinVar:

ClinVar aggregate classification (germline): Uncertain significance (1 of 4 stars; one submission).

Submission:

GeneDx
Classification: Uncertain significance. Last evaluated: 2024-09-14. Review status: criteria provided, single submitter. Criteria: GeneDx Variant Classification Process June 2021. Collection method: clinical testing. Allele origin: germline. Affected: yes.
Comment: Not observed at significant frequency in large population cohorts (gnomAD); Has not been previously published as pathogenic or benign to our knowledge; Frameshift variant predicted to result in protein truncation or nonsense mediated decay in a gene for which loss-of-function is not an established mechanism of disease

NM_212482.4(FN1):c.6581dup (p.Leu2196fs)

Gene: FN1 (fibronectin 1; minus strand). Cytogenetic location: 2q35.
Variant type: Duplication.
Coding change: c.6581dup on transcript NM_212482.4 (MANE Select); coding-DNA position 6581, one base duplicated (C; older notation c.6581dupC).
Protein change: p.Leu2196fs; shifts the reading frame from leucine 2196.
Molecular consequence: frameshift variant. On other transcripts: intron variant (10).
Genome position (GRCh38, 1-based): chr2:215,372,042, G duplicated on the plus strand (C on the coding strand, the reverse complement: FN1 is on the minus strand); the first of 2 consecutive G bases (chr2:215,372,042-215,372,043); duplicating either gives the same sequence. VCF-style (leftmost placement, unchanged base first): chr2-215372041-C-CG. GRCh37 (hg19) VCF-style: chr2-216236764-C-CG.
Other names: c.6311dup, p.Leu2106fs (NM_001365517.2); c.6308dup, p.Leu2105fs (NM_001365518.2); c.6236dup, p.Leu2081fs (NM_001365519.2); c.6233dup, p.Leu2080fs (NM_001365520.2); c.5963dup, p.Leu1990fs (NM_001365523.2); c.6038dup, p.Leu2015fs (NM_212476.3); c.5705-27dup (NM_212474.3); c.5897-27dup (NM_001306132.2); and 8 more; short protein forms L1990fs, L2015fs, L2080fs, L2081fs, L2105fs, L2106fs, L2196fs.
Identifiers: ClinVar variation 3769744 (VCV003769744.1).